The following is an entry in ClinVar:

NM_000179.3(MSH6):c.260+12G>A

Genes: MSH6 (mutS homolog 6; plus strand), LOC129933707 (ATAC-STARR-seq lymphoblastoid silent region 11468; plus strand). Cytogenetic location: 2p16.3.
Variant type: single nucleotide variant.
Coding change: c.260+12G>A on transcript NM_000179.3 (MANE Select); 12 bases into the intron after coding-DNA position 260, G replaced by A.
Molecular consequence: intron variant.
Genome position (GRCh38, 1-based): chr2:47,783,505, G>A. VCF-style: chr2-47783505-G-A. GRCh37 (hg19) VCF-style: chr2-48010644-G-A.
Other names: c.-477+12G>A (NM_001281493.2); c.237+35G>A (NM_001281492.2).
Identifiers: ClinVar variation 1793665 (VCV001793665.3), dbSNP rs1668140761, ClinGen allele CA2580067166.

ClinVar aggregate classification (germline): Uncertain significance (1 of 4 stars; one submission).

Conditions:
Hereditary cancer-predisposing syndrome. Also called: Tumor predisposition; Hereditary Cancer Syndrome; Hereditary neoplastic syndrome; Neoplastic Syndromes, Hereditary. Identifiers: Orphanet 140162, MedGen C0027672, MeSH D009386, MONDO:0015356.

Allele frequency attached by ClinVar (database versions not stated): gnomAD exomes below 0.00001.

Submission:

Ambry Genetics
Classification: Uncertain significance for Hereditary cancer-predisposing syndrome. Last evaluated: 2026-02-23. Review status: criteria provided, single submitter. Criteria: Ambry Variant Classification Scheme 2023. Collection method: clinical testing. Allele origin: germline.
Comment: The c.260+12G>A intronic variant results from a G to A substitution 12 nucleotides after coding exon 1 in the MSH6 gene. This nucleotide position is well conserved in available vertebrate species. In silico splice site analysis for this alteration is inconclusive. Based on the available evidence, the clinical significance of this variant remains unclear.